The following is an entry in ClinVar:

ClinVar aggregate classification (germline): Uncertain significance. Review status: criteria provided, multiple submitters, no conflicts (2 of 4 stars). 2 submissions from 2 submitters: Uncertain significance (2). Last evaluated 2025-07-01.

Conditions:
TRAP1-related disorder. Also called: TRAP1-related condition.

Allele frequency attached by ClinVar (database versions not stated): TOPMed 0.00026; gnomAD exomes 0.00030 and 0.00034; gnomAD 0.00033; ExAC 0.00036; ESP Exome Variant Server 0.00046.
gnomAD v4.1: 545 of 1,607,164 alleles (0.034%); highest among the groups gnomAD compares: South Asian, 0.042%; 2 homozygotes.

Submissions (2):

PreventionGenetics, part of Exact Sciences
Classification: Uncertain significance for TRAP1-related condition. Last evaluated: 2025-07-01. Review status: criteria provided, single submitter. Criteria: ACMG Guidelines, 2015. Collection method: clinical testing. Allele origin: germline.
Comment: The TRAP1 c.1163G>A variant is predicted to result in the amino acid substitution p.Arg388Gln. To our knowledge, this variant has not been reported in the literature. This variant is reported in 0.050% of alleles in individuals of European (non-Finnish) descent in gnomAD. Although we suspect that this variant may be benign, at this time, the clinical significance of this variant is uncertain due to the absence of conclusive functional and genetic evidence.

Labcorp Genetics (formerly Invitae), Labcorp
Classification: Uncertain significance. Last evaluated: 2024-10-07. Review status: criteria provided, single submitter. Criteria: Invitae Variant Classification Sherloc (09022015). Collection method: clinical testing. Allele origin: germline.
Comment: This sequence change replaces arginine, which is basic and polar, with glutamine, which is neutral and polar, at codon 388 of the TRAP1 protein (p.Arg388Gln). This variant is present in population databases (rs148180859, gnomAD 0.05%), and has an allele count higher than expected for a pathogenic variant. This variant has not been reported in the literature in individuals affected with TRAP1-related conditions. ClinVar contains an entry for this variant (Variation ID: 1407988). An algorithm developed to predict the effect of missense changes on protein structure and function (PolyPhen-2) suggests that this variant is likely to be disruptive. In summary, the available evidence is currently insufficient to determine the role of this variant in disease. Therefore, it has been classified as a Variant of Uncertain Significance.

NM_016292.3(TRAP1):c.1163G>A (p.Arg388Gln)

Gene: TRAP1 (TNF receptor associated protein 1; minus strand). Cytogenetic location: 16p13.3.
Variant type: single nucleotide variant.
Coding change: c.1163G>A on transcript NM_016292.3 (MANE Select); coding-DNA position 1163, G replaced by A.
Protein change: p.Arg388Gln; replaces arginine 388 with glutamine.
Molecular consequence: missense variant.
Genome position (GRCh38, 1-based): chr16:3,672,702, C>T on the plus strand (G>A on the coding strand, the complement: TRAP1 is on the minus strand). VCF-style: chr16-3672702-C-T. GRCh37 (hg19) VCF-style: chr16-3722703-C-T.
Other names: c.1004G>A, p.Arg335Gln (NM_001272049.2); c.1163G>A (NM_016292.2); short protein forms R388Q, R335Q.
Identifiers: ClinVar variation 1407988 (VCV001407988.7), dbSNP rs148180859, ClinGen allele CA7868277.